The following is an entry in ClinVar:

NM_005159.5(ACTC1):c.244G>A (p.Asp82Asn)

Genes: ACTC1 (actin alpha cardiac muscle 1; minus strand), GJD2-DT (GJD2 divergent transcript; plus strand). Cytogenetic location: 15q14.
Variant type: single nucleotide variant.
Coding change: c.244G>A on transcript NM_005159.5 (MANE Select); coding-DNA position 244, G replaced by A.
Protein change: p.Asp82Asn; replaces aspartic acid 82 with asparagine.
Molecular consequence: missense variant. On other transcripts: 5 prime UTR variant (1).
Genome position (GRCh38, 1-based): chr15:34,793,455, C>T on the plus strand (G>A on the coding strand, the complement: ACTC1 is on the minus strand). VCF-style: chr15-34793455-C-T. GRCh37 (hg19) VCF-style: chr15-35085656-C-T.
Other names: c.244G>A, p.Asp82Asn (NM_001406482.1, NM_001406483.1); c.109G>A, p.Asp37Asn (NM_001406484.1); c.-145G>A (NM_001406485.1); short protein forms D37N, D82N.
Identifiers: ClinVar variation 2944561 (VCV002944561.3), dbSNP rs2504183112, ClinGen allele CA391631772.

ClinVar aggregate classification (germline): Uncertain significance (1 of 4 stars; one submission).

Conditions:
Hypertrophic cardiomyopathy 11. Also called: ACTC1-Related Familial Hypertrophic Cardiomyopathy. Identifiers: MedGen C2677506, MONDO:0012799, OMIM 612098.
Dilated cardiomyopathy 1R (CMD1R). Identifiers: Orphanet 154, Orphanet 54260, MedGen C3150681, MONDO:0013261, OMIM 613424.
Atrial septal defect 5 (ASD5). Identifiers: Orphanet 1478, MedGen C2748552, MONDO:0013011, OMIM 612794.

Submission:

Labcorp Genetics (formerly Invitae), Labcorp
Classification: Uncertain significance for Dilated cardiomyopathy 1R; Hypertrophic cardiomyopathy 11; Atrial septal defect 5. Last evaluated: 2023-02-21. Review status: criteria provided, single submitter. Criteria: Invitae Variant Classification Sherloc (09022015). Collection method: clinical testing. Allele origin: germline.
Comment: Advanced modeling of protein sequence and biophysical properties (such as structural, functional, and spatial information, amino acid conservation, physicochemical variation, residue mobility, and thermodynamic stability) performed at Invitae indicates that this missense variant is not expected to disrupt ACTC1 protein function. In summary, the available evidence is currently insufficient to determine the role of this variant in disease. Therefore, it has been classified as a Variant of Uncertain Significance. This variant has not been reported in the literature in individuals affected with ACTC1-related conditions. This sequence change replaces aspartic acid, which is acidic and polar, with asparagine, which is neutral and polar, at codon 82 of the ACTC1 protein (p.Asp82Asn). This variant is not present in population databases (gnomAD no frequency).